The following is an entry in ClinVar:

NM_018646.6(TRPV6):c.881_882del (p.Val294fs)

Gene: TRPV6 (transient receptor potential cation channel subfamily V member 6; minus strand). Cytogenetic location: 7q34.
Variant type: Microsatellite.
Coding change: c.881_882del on transcript NM_018646.6 (MANE Select); coding-DNA positions 881 to 882, 2 bases deleted (TG; older notation c.881_882delTG).
Protein change: p.Val294fs; shifts the reading frame from valine 294.
Molecular consequence: frameshift variant.
Genome position (GRCh38, 1-based): chr7:142,876,408-142,876,409, CA deleted on the plus strand (TG on the coding strand, the reverse complement: TRPV6 is on the minus strand); deleting any 2 consecutive bases within chr7:142,876,408-142,876,411 gives the same sequence; the c. name uses the placement nearest the transcript's 3' end. VCF-style (leftmost placement, unchanged base first): chr7-142876407-CCA-C. GRCh37 (hg19) VCF-style: chr7-142574160-CCA-C.
Other names: short protein forms V294fs.
Identifiers: ClinVar variation 4807289 (VCV004807289.1).
Genomic context (GRCh38, chr7:142,876,407, plus strand): 5'-GCCAGCGGGATAGGTTGAGGGTCATTAGAAAGACACCTCAGGGATGGGGACCGTCTCTCA[CCA>C]CAGTGTTACCCTCCACTCCAGCCAGCTTGAAAGGGGTGAGACCCTGGTGATTGGGCACGA-3'

ClinVar aggregate classification (germline): Pathogenic (1 of 4 stars; one submission).

Submission:

Labcorp Genetics (formerly Invitae), Labcorp
Classification: Pathogenic. Last evaluated: 2025-08-03. Review status: criteria provided, single submitter. Criteria: Invitae Variant Classification Sherloc (09022015). Collection method: clinical testing. Allele origin: germline.
Comment: This sequence change creates a premature translational stop signal (p.Val294Aspfs*25) in the TRPV6 gene. It is expected to result in an absent or disrupted protein product. Loss-of-function variants in TRPV6 are known to be pathogenic (PMID: 29861107, 30144375). This variant is not present in population databases (gnomAD no frequency). This variant has not been reported in the literature in individuals affected with TRPV6-related conditions. Algorithms developed to predict the effect of sequence changes on RNA splicing suggest that this variant may disrupt the consensus splice site. For these reasons, this variant has been classified as Pathogenic.

Literature cited by the submitters: PubMed 29861107; PubMed 30144375.